The following continues an entry in ClinVar:

NM_000350.3(ABCA4):c.634C>T (p.Arg212Cys)

Gene: ABCA4. ClinVar aggregate classification (germline): Pathogenic. Pathogenic (1).

Submissions 9 to 27 of 27:

3billion
Classification: Pathogenic for Severe early-childhood-onset retinal dystrophy. Last evaluated: 2024-06-08. Review status: criteria provided, single submitter. Criteria: ACMG Guidelines, 2015. Collection method: clinical testing. Allele origin: germline. Affected: yes. Not counted in ClinVar's aggregate classification.
Comment: The variant is observed at an extremely low frequency in the gnomAD v4.0.0 dataset (total allele frequency: 0.011%). Predicted Consequence/Location: Missense variant In silico tool predictions suggest damaging effect of the variant on gene or gene product [REVEL: 0.85 (>=0.6, sensitivity 0.68 and specificity 0.92); 3Cnet: 0.69 (>=0.6, sensitivity 0.72 and precision 0.9)]. The same nucleotide change resulting in the same amino acid change has been previously reported as pathogenic/likely pathogenic with strong evidence (ClinVar ID: VCV000007898 /PMID: 9503029).The variant has been reported to be in trans with a pathogenic variant as either compound heterozygous or homozygous in at least 4 similarly affected unrelated individuals (PMID: 26161775, 29925512, 30093795).The variant has been reported to co-segregate with the disease in at least one similarly affected relative/individual in the same family or similarly affected unrelated family (PMID: 10711710). Therefore, this variant is classified as Pathogenic according to the recommendation of ACMG/AMP guideline.

Neuberg Centre For Genomic Medicine, NCGM
Classification: Pathogenic for Severe early-childhood-onset retinal dystrophy. Last evaluated: 2023-02-14. Review status: criteria provided, single submitter. Criteria: ACMG Guidelines, 2015. Collection method: clinical testing. Allele origin: germline. Inheritance: Autosomal recessive inheritance. Affected: yes. Not counted in ClinVar's aggregate classification.

GeneDx
Classification: Pathogenic. Last evaluated: 2022-04-25. Review status: criteria provided, single submitter. Criteria: GeneDx Variant Classification Process June 2021. Collection method: clinical testing. Allele origin: germline. Affected: yes. Not counted in ClinVar's aggregate classification.
Comment: Published functional studies demonstrate a damaging effect with reduced protein expression and reduced ATP binding capacity (Sun et al., 2000; Curtis et al., 2020); In silico analysis, which includes protein predictors and evolutionary conservation, supports a deleterious effect; This variant is associated with the following publications: (PMID: 10958761, 18977788, 22264887, 26909568, 25082829, 23891399, 28559085, 9503029, 9781034, 10711710, 11385708, 27014590, 27820952, 26161775, 15108289, 11726554, 19028736, 25082885, 25283059, 16546111, 29555955, 28224992, 25741868, 30093795, 10958763, 29925512, 32141364, 31766579, 30820146, 33851411, 31589614, 32619608, 34327195, 34426522, 32845068, 31456290, 32845050, 32467599, 32036094, 32581362, 11017087)

Institute of Human Genetics, Univ. Regensburg, Univ. Regensburg
Classification: Pathogenic for Retinal dystrophy. Last evaluated: 2022-01-01. Review status: criteria provided, single submitter. Criteria: ACMG Guidelines, 2015. Collection method: clinical testing. Allele origin: germline. Affected: yes. Not counted in ClinVar's aggregate classification.

Institute of Medical Molecular Genetics, University of Zurich
Classification: Likely pathogenic for Severe early-childhood-onset retinal dystrophy. Last evaluated: 2021-01-30. Review status: criteria provided, single submitter. Criteria: ACMG Guidelines, 2015. Collection method: clinical testing. Allele origin: germline. Affected: yes. Not counted in ClinVar's aggregate classification.

Institute of Medical Genetics and Applied Genomics, University Hospital Tübingen
Classification: Pathogenic. Last evaluated: 2020-10-23. Review status: criteria provided, single submitter. Criteria: ACMG Guidelines, 2015. Collection method: clinical testing. Allele origin: germline. Inheritance: Autosomal recessive inheritance. Affected: yes. Not counted in ClinVar's aggregate classification.

AiLife Diagnostics
Classification: Pathogenic. Last evaluated: 2020-05-11. Review status: criteria provided, single submitter. Criteria: ACMG Guidelines, 2015. Collection method: clinical testing. Allele origin: germline. Affected: yes. Observed: 1 variant allele. Not counted in ClinVar's aggregate classification.

Fulgent Genetics
Classification: Pathogenic for Age related macular degeneration 2; Severe early-childhood-onset retinal dystrophy; Retinitis pigmentosa 19; Cone-rod dystrophy 3. Last evaluated: 2018-10-31. Review status: criteria provided, single submitter. Criteria: ACMG Guidelines, 2015. Collection method: clinical testing. Allele origin: unknown. Not counted in ClinVar's aggregate classification.

CeGaT Center for Human Genetics Tuebingen
Classification: Pathogenic. Last evaluated: 2018-05-01. Review status: criteria provided, single submitter. Criteria: CeGaT Center For Human Genetics Tuebingen Variant Classification Criteria Version 2. Collection method: clinical testing. Allele origin: germline. Affected: yes. Observed: 2 variant alleles. Not counted in ClinVar's aggregate classification.

Molecular Diagnostics Laboratory, M Health Fairview: University of Minnesota
Classification: Likely pathogenic for Cone-rod dystrophy 3. Last evaluated: 2017-09-06. Review status: criteria provided, single submitter. Criteria: ACMG Guidelines, 2015. Collection method: clinical testing. Allele origin: germline. Affected: yes. Observed: 1 variant allele. Not counted in ClinVar's aggregate classification.

Eurofins Ntd Llc (ga)
Classification: Pathogenic. Last evaluated: 2016-11-30. Review status: criteria provided, single submitter. Criteria: EGL Classification Definitions 2015. Collection method: clinical testing. Allele origin: germline. Observed: 4 variant alleles, 3 heterozygotes, 1 homozygote. Not counted in ClinVar's aggregate classification.

Sharon lab, Hadassah-Hebrew University Medical Center
Classification: Pathogenic for Stargardt disease. Last evaluated: 2019-06-23. Review status: no assertion criteria provided. Collection method: research. Allele origin: inherited. Affected: yes. Not counted in ClinVar's aggregate classification.

Department of Clinical Genetics, Copenhagen University Hospital, Rigshospitalet
Classification: Pathogenic for Stargardt disease. Last evaluated: 2018-04-01. Review status: no assertion criteria provided. Collection method: research. Allele origin: unknown. Affected: yes. Study: VeluxRD. Not counted in ClinVar's aggregate classification.

Joint Genome Diagnostic Labs from Nijmegen and Maastricht, Radboudumc and MUMC+
Classification: Likely pathogenic for Severe early-childhood-onset retinal dystrophy. Last evaluated: 2016-09-01. Review status: no assertion criteria provided. Collection method: clinical testing. Allele origin: unknown. Affected: yes. Observed: 1 variant allele. Not counted in ClinVar's aggregate classification.

OMIM
Classification: Pathogenic for STARGARDT DISEASE 1. Last evaluated: 2001-06-01. Review status: no assertion criteria provided. Collection method: literature only. Allele origin: germline. Not counted in ClinVar's aggregate classification.

Clinical Genetics, Academic Medical Center
Classification: Pathogenic. Review status: no assertion criteria provided. Collection method: clinical testing. Allele origin: germline. Affected: yes. Study: VKGL Data-share Consensus. Not counted in ClinVar's aggregate classification.

Joint Genome Diagnostic Labs from Nijmegen and Maastricht, Radboudumc and MUMC+
Classification: Likely pathogenic. Review status: no assertion criteria provided. Collection method: clinical testing. Allele origin: germline. Affected: yes. Study: VKGL Data-share Consensus. Not counted in ClinVar's aggregate classification.

Ophthalmo-Genetics Lab, Instituto de Oftalmologia Conde de Valenciana
Classification: Pathogenic for Stargardt disease 3. Review status: no assertion criteria provided. Collection method: research. Allele origin: germline. Inheritance: Autosomal recessive inheritance. Not counted in ClinVar's aggregate classification.

Retina International
No classification provided. Review status: no classification provided. Collection method: not provided. Allele origin: not provided. Not counted in ClinVar's aggregate classification.

Literature cited by the submitters: PubMed 10458172 (cited by Labcorp Genetics (formerly Invitae), Labcorp); PubMed 10711710 (cited by 6 submitters); PubMed 26161775 (cited by 3 submitters); PubMed 29925512 (cited by 4 submitters); PubMed 30093795 (cited by 4 submitters); PubMed 35194496 (cited by Variantyx, Inc.); PubMed 32619608 (cited by Variantyx, Inc. and Institute of Human Genetics, Univ. Regensburg, Univ. Regensburg); PubMed 28224992 (cited by 3 submitters); PubMed 9503029 (cited by 6 submitters); PubMed 22264887 (cited by Institute of Human Genetics, Univ. Regensburg, Univ. Regensburg and AiLife Diagnostics); PubMed 25082885 (cited by Institute of Human Genetics, Univ. Regensburg, Univ. Regensburg and AiLife Diagnostics); PubMed 25283059 (cited by Institute of Human Genetics, Univ. Regensburg, Univ. Regensburg and AiLife Diagnostics); PubMed 28559085 (cited by Institute of Human Genetics, Univ. Regensburg, Univ. Regensburg and AiLife Diagnostics); PubMed 29555955 (cited by Institute of Human Genetics, Univ. Regensburg, Univ. Regensburg and AiLife Diagnostics); PubMed 31589614 (cited by Institute of Human Genetics, Univ. Regensburg, Univ. Regensburg); PubMed 32845050 (cited by Institute of Human Genetics, Univ. Regensburg, Univ. Regensburg); PubMed 32467599 (cited by Institute of Human Genetics, Univ. Regensburg, Univ. Regensburg); PubMed 31964843 (cited by Institute of Human Genetics, Univ. Regensburg, Univ. Regensburg); PubMed 31429209 (cited by Institute of Human Genetics, Univ. Regensburg, Univ. Regensburg); PubMed 32307445 (cited by Institute of Human Genetics, Univ. Regensburg, Univ. Regensburg); PubMed 32845068 (cited by Institute of Human Genetics, Univ. Regensburg, Univ. Regensburg); PubMed 32036094 (cited by Institute of Human Genetics, Univ. Regensburg, Univ. Regensburg); PubMed 31456290 (cited by Institute of Human Genetics, Univ. Regensburg, Univ. Regensburg); PubMed 32581362 (cited by Institute of Human Genetics, Univ. Regensburg, Univ. Regensburg); PubMed 32531858 (cited by Institute of Human Genetics, Univ. Regensburg, Univ. Regensburg); PubMed 32141364 (cited by Institute of Human Genetics, Univ. Regensburg, Univ. Regensburg); PubMed 34327195 (cited by Institute of Human Genetics, Univ. Regensburg, Univ. Regensburg); PubMed 34426522 (cited by Institute of Human Genetics, Univ. Regensburg, Univ. Regensburg); PubMed 33749171 (cited by Institute of Human Genetics, Univ. Regensburg, Univ. Regensburg); PubMed 33851411 (cited by Institute of Human Genetics, Univ. Regensburg, Univ. Regensburg); PubMed 35119454 (cited by Institute of Human Genetics, Univ. Regensburg, Univ. Regensburg); PubMed 35260635 (cited by Institute of Human Genetics, Univ. Regensburg, Univ. Regensburg); PubMed 36460718 (cited by Institute of Human Genetics, Univ. Regensburg, Univ. Regensburg); PubMed 35076026 (cited by Institute of Human Genetics, Univ. Regensburg, Univ. Regensburg); PubMed 11385708 (cited by 4 submitters); PubMed 11017087 (cited by AiLife Diagnostics); PubMed 9781034 (cited by Molecular Diagnostics Laboratory, M Health Fairview: University of Minnesota and Eurofins Ntd Llc (ga)); PubMed 30718709 (cited by Department of Clinical Genetics, Copenhagen University Hospital, Rigshospitalet); PubMed 23769331 (cited by Ophthalmo-Genetics Lab, Instituto de Oftalmologia Conde de Valenciana).